The following is an entry in ClinVar:

ClinVar aggregate classification (germline): Benign. Review status: criteria provided, multiple submitters, no conflicts (2 of 4 stars). 7 submissions from 7 submitters: Benign (7). Last evaluated 2026-02-03.

Conditions:
Autosomal dominant nonsyndromic hearing loss 2A. Also called: Autosomal dominant nonsyndromic deafness 2A; DFNA2 Nonsyndromic Hearing Loss; Deafness, autosomal dominant 2A. Identifiers: Orphanet 90635, MedGen C2677637, MONDO:0010817, OMIM 600101.

Allele frequency attached by ClinVar (database versions not stated): ExAC 0.10513; gnomAD exomes 0.10646 and 0.09443; 1000 Genomes Project 30x 0.11305; 1000 Genomes Project 0.11621; ESP Exome Variant Server 0.06397; TOPMed 0.07377; gnomAD 0.07598 and 0.07994.
gnomAD v4.1: 150,020 of 1,612,286 alleles (9.3%); highest among the groups gnomAD compares: East Asian, 19%; 7,875 homozygotes.

Submissions (7):

Labcorp Genetics (formerly Invitae), Labcorp
Classification: Benign. Last evaluated: 2026-02-03. Review status: criteria provided, single submitter. Criteria: Invitae Variant Classification Sherloc (09022015). Collection method: clinical testing. Allele origin: germline.

Genome-Nilou Lab
Classification: Benign for Autosomal dominant nonsyndromic hearing loss 2A. Last evaluated: 2023-04-11. Review status: criteria provided, single submitter. Criteria: ACMG Guidelines, 2015. Collection method: clinical testing. Allele origin: germline. Affected: no.

Mayo Clinic Laboratories, Mayo Clinic
Classification: Benign. Last evaluated: 2020-10-20. Review status: criteria provided, single submitter. Criteria: ACMG Guidelines, 2015. Collection method: clinical testing. Allele origin: germline. Observed: 34 variant alleles.

GeneDx
Classification: Benign. Last evaluated: 2017-08-03. Review status: criteria provided, single submitter. Criteria: GeneDx Variant Classification (06012015). Collection method: clinical testing. Allele origin: germline. Affected: yes.
Comment: This variant is considered likely benign or benign based on one or more of the following criteria: it is a conservative change, it occurs at a poorly conserved position in the protein, it is predicted to be benign by multiple in silico algorithms, and/or has population frequency not consistent with disease.

Laboratory for Molecular Medicine, Mass General Brigham Personalized Medicine
Classification: Benign. Last evaluated: 2012-05-07. Review status: criteria provided, single submitter. Criteria: LMM Criteria. Collection method: clinical testing. Allele origin: germline. Observed: 277 variant alleles.
Comment: "Thr293Thr in Exon 06 of KCNQ4: This variant is not expected to have clinical si gnificance because it does not alter an amino acid residue, is not located withi n the splice consensus sequence, and has been identified in 8.3% (580/7020) of E uropean American chromosomes from a broad population by the NHLBI Exome Sequenci ng Project (dbSNP rs12143503)."

Breakthrough Genomics
Classification: Benign. Review status: criteria provided, single submitter. Criteria: ACMG Guidelines, 2015. Collection method: not provided. Allele origin: germline. Inheritance: Autosomal dominant inheritance. Affected: yes.

PreventionGenetics, part of Exact Sciences
Classification: Benign. Review status: criteria provided, single submitter. Criteria: ACMG Guidelines, 2015. Collection method: clinical testing. Allele origin: germline.

NM_004700.4(KCNQ4):c.879A>G (p.Thr293=)

Gene: KCNQ4 (potassium voltage-gated channel subfamily Q member 4; plus strand). Cytogenetic location: 1p34.2.
Variant type: single nucleotide variant.
Coding change: c.879A>G on transcript NM_004700.4 (MANE Select); coding-DNA position 879, A replaced by G.
Protein change: p.Thr293=; no amino-acid change (threonine 293 retained).
Molecular consequence: synonymous variant.
Genome position (GRCh38, 1-based): chr1:40,819,919, A>G. VCF-style: chr1-40819919-A-G. GRCh37 (hg19) VCF-style: chr1-41285591-A-G.
Other names: p.Thr293=; c.879A>G, p.Thr293= (NM_172163.3).
Identifiers: ClinVar variation 45108 (VCV000045108.15), dbSNP rs12143503, ClinGen allele CA135541.